The following is an entry in ClinVar:

NM_007294.4(BRCA1):c.3758C>G (p.Ser1253Cys)

Genes: BRCA1 (BRCA1 DNA repair associated; minus strand), LOC126862571 (BRD4-independent group 4 enhancer GRCh37_chr17:41243136-41244335; plus strand). Cytogenetic location: 17q21.31.
Variant type: single nucleotide variant.
Coding change: c.3758C>G on transcript NM_007294.4 (MANE Select); coding-DNA position 3758, C replaced by G.
Protein change: p.Ser1253Cys; replaces serine 1253 with cysteine.
Molecular consequence: missense variant. On other transcripts: intron variant (135).
Genome position (GRCh38, 1-based): chr17:43,091,773, G>C on the plus strand (C>G on the coding strand, the complement: BRCA1 is on the minus strand). VCF-style: chr17-43091773-G-C. GRCh37 (hg19) VCF-style: chr17-41243790-G-C.
Other names: c.3545C>G, p.Ser1182Cys (NM_001407571.1, NM_001407853.1, NM_001407894.1 and 9 more transcripts); c.3758C>G, p.Ser1253Cys (NM_001407581.1, NM_001407582.1, NM_001407583.1 and 30 more transcripts); c.3755C>G, p.Ser1252Cys (NM_001407587.1, NM_001407590.1, NM_001407591.1 and 22 more transcripts); c.3749C>G, p.Ser1250Cys (NM_001407646.1, NM_001407647.1); c.3635C>G, p.Ser1212Cys (NM_001407648.1, NM_001407664.1, NM_001407665.1 and 19 more transcripts); c.3632C>G, p.Ser1211Cys (NM_001407649.1, NM_001407670.1, NM_001407671.1 and 11 more transcripts); c.3680C>G, p.Ser1227Cys (NM_001407653.1, NM_001407654.1, NM_001407655.1 and 4 more transcripts); c.3677C>G, p.Ser1226Cys (NM_001407659.1, NM_001407660.1, NM_001407661.1 and 1 more transcripts); and 41 more; short protein forms S1253C, S1206C, S1085C, S1125C, S1141C, S1183C, S1211C, S1226C.
Identifiers: ClinVar variation 186252 (VCV000186252.42), dbSNP rs397509100, ClinGen allele CA002409.

ClinVar aggregate classification (germline): Conflicting classifications of pathogenicity. Review status: criteria provided, conflicting classifications (1 of 4 stars). 14 submissions from 14 submitters: Uncertain significance (10); Likely benign (1). 3 of the submissions do not count toward it. Last evaluated 2026-06-04.

Conditions:
Familial cancer of breast. Also called: BREAST CANCER, FAMILIAL; Hereditary breast cancer; hereditary breast carcinoma. Identifiers: Orphanet 227535, MedGen C0346153, MONDO:0016419, OMIM 114480. Disease mechanism: loss of function.
Pancreatic cancer, susceptibility to, 4. Identifiers: Orphanet 1333, MedGen C3280442, MONDO:0013685, OMIM 614320.
Fanconi anemia, complementation group S (FANCS). Identifiers: MedGen C4554406, MONDO:0054748, OMIM 617883.
Breast-ovarian cancer, familial, susceptibility to, 1 (BROVCA1). Also called: OVARIAN CANCER, SUSCEPTIBILITY TO; BRCA1 Hereditary Breast and Ovarian Cancer. Identifiers: Orphanet 145, MedGen C2676676, MONDO:0011450, OMIM 604370. Disease mechanism: loss of function.
Hereditary cancer-predisposing syndrome. Also called: Hereditary Cancer Syndrome; Hereditary neoplastic syndrome; Tumor predisposition; Neoplastic Syndromes, Hereditary. Identifiers: Orphanet 140162, MedGen C0027672, MeSH D009386, MONDO:0015356.
Hereditary breast ovarian cancer syndrome. Also called: Hereditary breast and ovarian cancer syndrome; Hereditary breast and ovarian cancer syndrome (HBOC); BRCA1- and BRCA2-Associated Hereditary Breast and Ovarian Cancer; Breast and ovarian cancer; Hereditary breast and ovarian cancer; Hereditary breast and/or ovarian cancer syndrome. Identifiers: Orphanet 145, MedGen C0677776, MeSH D061325, MONDO:0003582. Disease mechanism: loss of function.
Breast and/or ovarian cancer. Identifiers: MedGen CN221562.
Malignant tumor of breast. Also called: Malignant breast neoplasm; Cancer breast. Identifiers: MedGen C0006142, MONDO:0007254. Disease mechanism: loss of function.
BRCA1-related cancer predisposition. Identifiers: MedGen CN377757, MONDO:0700268.
BRCA1-related disorder. Also called: BRCA1-related condition.

Allele frequency attached by ClinVar (database versions not stated): gnomAD exomes 0.00002; TOPMed 0.00003; gnomAD 0.00004.
gnomAD v4.1: 30 of 1,613,886 alleles (0.0019%); highest among the groups gnomAD compares: Non-Finnish European, 0.0024%; no homozygotes.

Submissions 1 to 6 of 14:

Women's Health and Genetics/Laboratory Corporation of America, LabCorp
Classification: Uncertain significance. Last evaluated: 2026-06-04. Review status: criteria provided, single submitter. Criteria: LabCorp Variant Classification Summary - May 2015. Collection method: clinical testing. Allele origin: germline.
Comment: Variant summary: BRCA1 c.3758C>G (p.Ser1253Cys) results in a non-conservative amino acid change in the encoded protein sequence. Algorithms developed to predict the effect of missense changes on protein structure and function are either unavailable or do not agree on the potential impact of this missense change. The variant allele was found at a frequency of 1.6e-05 in 251260 control chromosomes. The available data on variant occurrences in the general population are insufficient to allow any conclusion about variant significance. c.3758C>G has been observed in individuals affected with ovarian cancer or breast cancer, without strong evidence for causality (e.g. Gleicher_2014, Lerner-Ellis_2021, Davidson_2024). These reports do not provide unequivocal conclusions about association of the variant with disease. To our knowledge, no experimental evidence demonstrating an impact on protein function has been reported. The following publications have been ascertained in the context of this evaluation (PMID: 39096911, 25036526, 31642931, 28726806, 32885271). ClinVar contains an entry for this variant (Variation ID: 186252). Based on the evidence outlined above, the variant was classified as uncertain significance.

PreventionGenetics, part of Exact Sciences
Classification: Uncertain significance for BRCA1-related condition. Last evaluated: 2026-02-18. Review status: criteria provided, single submitter. Criteria: ACMG Guidelines, 2015. Collection method: clinical testing. Allele origin: germline.
Comment: The BRCA1 c.3758C>G variant is predicted to result in the amino acid substitution p.Ser1253Cys. This variant has been reported as a variant of uncertain significance in individuals with breast and/or ovarian cancer (Gleicher et al. 2014. PubMed ID: 25036526; Bhai et al. 2021. PubMed ID: 34326862). This variant is reported in 0.0039% of alleles in individuals of European (Non-Finnish) descent in gnomAD, and is interpreted as uncertain in ClinVar (Variation ID: 186252). At this time, the clinical significance of this variant is uncertain due to the absence of conclusive functional and genetic evidence.

Labcorp Genetics (formerly Invitae), Labcorp
Classification: Uncertain significance for Hereditary breast ovarian cancer syndrome. Last evaluated: 2025-11-27. Review status: criteria provided, single submitter. Criteria: Invitae Variant Classification Sherloc (09022015). Collection method: clinical testing. Allele origin: germline.
Comment: This sequence change replaces serine, which is neutral and polar, with cysteine, which is neutral and slightly polar, at codon 1253 of the BRCA1 protein (p.Ser1253Cys). This variant is present in population databases (rs397509100, gnomAD 0.004%). This missense change has been observed in individual(s) with breast cancer and/or ovarian cancer (PMID: 25036526, 32885271, 34326862). ClinVar contains an entry for this variant (Variation ID: 186252). Invitae Evidence Modeling of protein sequence and biophysical properties (such as structural, functional, and spatial information, amino acid conservation, physicochemical variation, residue mobility, and thermodynamic stability) indicates that this missense variant is not expected to disrupt BRCA1 protein function with a negative predictive value of 95%. In summary, the available evidence is currently insufficient to determine the role of this variant in disease. Therefore, it has been classified as a Variant of Uncertain Significance.

GeneDx
Classification: Uncertain significance. Last evaluated: 2025-07-17. Review status: criteria provided, single submitter. Criteria: GeneDx Variant Classification Process June 2021. Collection method: clinical testing. Allele origin: germline. Affected: yes.
Comment: Observed in individuals with ovarian or breast cancer (PMID: 25036526, 34326862, 33471991, 32885271); Not observed at significant frequency in large population cohorts (gnomAD); In silico analysis suggests that this missense variant does not alter protein structure/function; Also known as 3877C>G; This variant is associated with the following publications: (PMID: 28726806, 31642931, 33471991, 25036526, 34326862, 32885271)

Ambry Genetics
Classification: Uncertain significance for Hereditary cancer-predisposing syndrome. Last evaluated: 2025-07-15. Review status: criteria provided, single submitter. Criteria: Ambry Variant Classification Scheme 2023. Collection method: clinical testing. Allele origin: germline.
Comment: The p.S1253C variant (also known as c.3758C>G), located in coding exon 9 of the BRCA1 gene, results from a C to G substitution at nucleotide position 3758. The serine at codon 1253 is replaced by cysteine, an amino acid with dissimilar properties. This alteration has been reported in an individual with ovarian cancer (Gleicher N et al. PLoS ONE. 2014 Jul;9:e102370). This variant was also observed in 1/3251 individuals who met eligibility criteria for hereditary breast and ovarian cancer syndrome (Lerner-Ellis J et al. J Cancer Res Clin Oncol, 2021 Mar;147:871-879). This amino acid position is not well conserved in available vertebrate species. In addition, the in silico prediction for this alteration is inconclusive. Based on the available evidence, the clinical significance of this variant remains unclear.

All of Us Research Program, National Institutes of Health
Classification: Uncertain significance for BRCA1-related cancer predisposition. Last evaluated: 2024-06-11. Review status: criteria provided, single submitter. Criteria: ACMG Guidelines, 2015. Collection method: clinical testing. Allele origin: germline. Inheritance: Autosomal dominant inheritance. Observed: 5 variant alleles, 5 heterozygotes.
Comment: This missense variant replaces serine with cysteine at codon 1253 of the BRCA1 protein. Computational prediction suggests that this variant may not impact protein structure and function (internally defined REVEL score threshold <= 0.5, PMID: 27666373). To our knowledge, functional studies have not been reported for this variant. This variant has been reported in two individuals affected with ovarian cancer (PMID: 25036526) and in a breast cancer case-control meta-analysis in 1/60466 cases and 1/53461 unaffected individuals (PMID: 33471991; Leiden Open Variation Database DB-ID BRCA1_006306). This variant also has been detected in an individual age 70 years or older without cancer (FLOSSIES database). This variant has been identified in 5/282660 chromosomes in the general population by the Genome Aggregation Database (gnomAD). The available evidence is insufficient to determine the role of this variant in disease conclusively. Therefore, this variant is classified as a Variant of Uncertain Significance.

This study involves interpretation of variants in research participants for the purpose of population health screening. Participant phenotype was not available at the time of variant classification. Additional details can be found in publication PMID: 35346344, PMCID: PMC8962531